The following is an entry in ClinVar:

ClinVar aggregate classification (germline): Uncertain significance (1 of 4 stars; one submission).

Conditions:
Rubinstein-Taybi syndrome (RSTS). Identifiers: Orphanet 783, MedGen C0035934, MONDO:0019188.

gnomAD v4.1: 3 of 1,614,190 alleles (0.00019%); highest among the groups gnomAD compares: Non-Finnish European, 0.00025%; no homozygotes.

Submission:

Labcorp Genetics (formerly Invitae), Labcorp
Classification: Uncertain significance for Rubinstein-Taybi syndrome. Last evaluated: 2025-09-03. Review status: criteria provided, single submitter. Criteria: Invitae Variant Classification Sherloc (09022015). Collection method: clinical testing. Allele origin: germline.
Comment: This sequence change replaces alanine, which is neutral and non-polar, with serine, which is neutral and polar, at codon 138 of the CREBBP protein (p.Ala138Ser). This variant is not present in population databases (gnomAD no frequency). This variant has not been reported in the literature in individuals affected with CREBBP-related conditions. Invitae Evidence Modeling of protein sequence and biophysical properties (such as structural, functional, and spatial information, amino acid conservation, physicochemical variation, residue mobility, and thermodynamic stability) indicates that this missense variant is not expected to disrupt CREBBP protein function with a negative predictive value of 95%. In summary, the available evidence is currently insufficient to determine the role of this variant in disease. Therefore, it has been classified as a Variant of Uncertain Significance.

NM_004380.3(CREBBP):c.412G>T (p.Ala138Ser)

Gene: CREBBP (CREB binding lysine acetyltransferase; minus strand). Cytogenetic location: 16p13.3.
Variant type: single nucleotide variant.
Coding change: c.412G>T on transcript NM_004380.3 (MANE Select); coding-DNA position 412, G replaced by T.
Protein change: p.Ala138Ser; replaces alanine 138 with serine.
Molecular consequence: missense variant.
Genome position (GRCh38, 1-based): chr16:3,850,683, C>A on the plus strand (G>T on the coding strand, the complement: CREBBP is on the minus strand). VCF-style: chr16-3850683-C-A. GRCh37 (hg19) VCF-style: chr16-3900684-C-A.
Other names: c.412G>T, p.Ala138Ser (NM_001079846.1); short protein forms A138S.
Identifiers: ClinVar variation 4802900 (VCV004802900.1).